The following is an entry in ClinVar:

ClinVar aggregate classification (germline): Pathogenic/Likely pathogenic. Review status: criteria provided, multiple submitters, no conflicts (2 of 4 stars). 2 submissions from 2 submitters: Pathogenic (1); Likely pathogenic (1). Last evaluated 2021-12-10.

Conditions:
Familial thoracic aortic aneurysm and aortic dissection (TAAD). Also called: Thoracic aortic aneurysms and dissections. Identifiers: Orphanet 91387, MedGen C4707243, MONDO:0019625.
Ehlers-Danlos syndrome, type 4 (EDSVASC). Also called: Ehlers-Danlos syndrome vascular type; Ehlers Danlos syndrome, ecchymotic type; Ehlers Danlos syndrome, arterial type; Ehlers Danlos syndrome, Sack-Barabas type; Ehlers-Danlos Syndrome Type IV. Identifiers: Orphanet 286, MedGen C0268338, MONDO:0017314, OMIM 130050.

Allele frequency attached by ClinVar (database versions not stated): gnomAD exomes below 0.00001.
gnomAD v4.1: 1 of 1,613,564 alleles (0.000062%); highest among the groups gnomAD compares: Non-Finnish European, 0.000085%; no homozygotes.

Submissions (2):

Ambry Genetics
Classification: Pathogenic for Familial thoracic aortic aneurysm and aortic dissection. Last evaluated: 2021-12-10. Review status: criteria provided, single submitter. Criteria: Ambry Variant Classification Scheme 2023. Collection method: clinical testing. Allele origin: germline.
Comment: The p.G588S pathogenic mutation (also known as c.1762G>A) is located in coding exon 25 of the COL3A1 gene. The glycine at codon 588 is replaced by serine, an amino acid with similar properties. This change occurs in the first base pair of coding exon 25. The majority (approximately two-thirds) of COL3A1 mutations identified to date have involved the substitution of another amino acid for glycine within the triple-helical domain. Internal structural analysis indicates that this alteration disrupts the characteristic G-X-Y motif in the COL3A1 protein and inserts a bulky side chain into a sterically-constrained region (Bella J et al. Science. 1994;266:75-81; Hohenester E et al. Proc. Natl. Acad. Sci. U.S.A. 2008;105:18273-7; Ambry internal data). Two alterations in the same codon, p.G588D and p.G588V, have also been reported in individuals with vascular Ehlers-Danlos syndrome (EDS) (Pepin M et al. N. Engl. J. Med. 2000 Mar; 342(10):673-80; Pepin MG et al. Genet. Med. 2014 Dec; 16(12):881-8; Frank M et al. Eur. J. Hum. Genet. 2015 Dec; 23(12):1657-64). This amino acid position is highly conserved in available vertebrate species. In addition, this alteration is predicted to be deleterious by in silico analysis. Based on the supporting evidence, this alteration is interpreted as a disease-causing mutation.

Women's Health and Genetics/Laboratory Corporation of America, LabCorp
Classification: Likely pathogenic for Ehlers-Danlos syndrome, type 4. Last evaluated: 2016-11-28. Review status: criteria provided, single submitter. Criteria: LabCorp Variant Classification Summary - May 2015. Collection method: clinical testing. Allele origin: germline.
Comment: Variant summary: The COL3A1 c.1762G>A (p.Gly588Ser) variant involves the alteration of a conserved nucleotide located in the first position of exon 25. 5/5 in silico tools predict a damaging outcome for this variant. 2/5 splice prediction tools predict the variant to result in weaking of the a canonical splice acceptor site. However, these predictions have yet to be confirmed by functional studies. This variant is absent in 121398 control chromosomes. The variant of interest has not, to our knowledge, been reported in affected individuals via publications and/or reputable databases/clinical diagnostic laboratories; nor evaluated for functional impact by in vivo/vitro studies. However, the majority of identified pathogenic variants in COL3A1 result in substitution of other amino acids for glycine residues in the Gly-X-Y triplets of the major helical domain where this variant is located. Therefore, this variant has been classified as likely pathogenic.

Literature cited by the submitters: PubMed 10706896 (cited by Ambry Genetics); PubMed 16751282 (cited by Ambry Genetics); PubMed 24922459 (cited by Ambry Genetics); PubMed 25758994 (cited by Ambry Genetics).

NM_000090.4(COL3A1):c.1762G>A (p.Gly588Ser)

Gene: COL3A1 (collagen type III alpha 1 chain; plus strand). Cytogenetic location: 2q32.2.
Variant type: single nucleotide variant.
Coding change: c.1762G>A on transcript NM_000090.4 (MANE Select); coding-DNA position 1762, G replaced by A.
Protein change: p.Gly588Ser; replaces glycine 588 with serine.
Molecular consequence: missense variant.
Genome position (GRCh38, 1-based): chr2:188,997,165, G>A. VCF-style: chr2-188997165-G-A. GRCh37 (hg19) VCF-style: chr2-189861891-G-A.
Other names: short protein forms G588S.
Identifiers: ClinVar variation 495541 (VCV000495541.5), dbSNP rs1553508338, ClinGen allele CA349853181.